The following is an entry in ClinVar:

ClinVar aggregate classification (germline): Uncertain significance. Review status: criteria provided, multiple submitters, no conflicts (2 of 4 stars). 2 submissions from 2 submitters: Uncertain significance (2). Last evaluated 2024-03-01.

Allele frequency attached by ClinVar (database versions not stated): TOPMed 0.00001.
gnomAD v4.1: 9 of 1,614,186 alleles (0.00056%); highest among the groups gnomAD compares: Non-Finnish European, 0.00068%; no homozygotes.

Submissions (2):

CeGaT Center for Human Genetics Tuebingen
Classification: Uncertain significance. Last evaluated: 2024-03-01. Review status: criteria provided, single submitter. Criteria: CeGaT Center For Human Genetics Tuebingen Variant Classification Criteria Version 2. Collection method: clinical testing. Allele origin: germline. Affected: yes. Observed: 2 variant alleles.
Comment: SCN2A: PM2

GeneDx
Classification: Uncertain significance. Last evaluated: 2016-11-03. Review status: criteria provided, single submitter. Criteria: GeneDx Variant Classification (06012015). Collection method: clinical testing. Allele origin: germline. Affected: yes.
Comment: p.Leu577Ile (CTT>ATT): c.1729 C>A in exon 12 of the SCN2A gene (NM_021007.2). A variant of unknown significance has been identified in the SCN2A gene. The L577I variant has not been published as a mutation, nor has it been reported as a benign polymorphism to our knowledge. It was not observed in approximately 6,500 individuals of European and African American ancestry in the NHLBI Exome Sequencing Project, indicating it is not a common benign variant in these populations. The L577I variant is a conservative amino acid substitution, which is not likely to impact secondary protein structure as these residues share similar properties. However, this substitution alters a conserved position in the cytoplasmic loop between the first and second homologous domains of the SCN2A protein (Shi et al., 2012), although Isoleucine is observed at this position in multiple species in distant evolution. A missense mutation in a nearby residue (A575V) has been reported in association with a SCN2A-related disorder. In silico analysis is inconsistent in its predictions as to whether or not the variant is damaging to the protein structure/function. Therefore, based on the currently available information, it is unclear whether this variant is a pathogenic mutation or a rare benign variant. The variant is found in EPILEPSY panel(s).

NM_001040142.2(SCN2A):c.1729C>A (p.Leu577Ile)

Gene: SCN2A (sodium voltage-gated channel alpha subunit 2; plus strand). Cytogenetic location: 2q24.3.
Variant type: single nucleotide variant.
Coding change: c.1729C>A on transcript NM_001040142.2 (MANE Select); coding-DNA position 1729, C replaced by A.
Protein change: p.Leu577Ile; replaces leucine 577 with isoleucine.
Molecular consequence: missense variant.
Genome position (GRCh38, 1-based): chr2:165,323,213, C>A. VCF-style: chr2-165323213-C-A. GRCh37 (hg19) VCF-style: chr2-166179723-C-A.
Other names: p.L577I:CTT>ATT; c.1729C>A, p.Leu577Ile (NM_001040143.2, NM_001371246.1, NM_001371247.1 and 1 more transcripts); short protein forms L577I.
Identifiers: ClinVar variation 207063 (VCV000207063.26), dbSNP rs796053187, ClinGen allele CA318141.
Genomic context (GRCh38, chr2:165,323,213, plus strand): 5'-TAGTCCTTACTGAGCATCCGTGGCTCCCTTTTCTCTCCAAGACGCAACAGTAGGGCGAGC[C>A]TTTTCAGCTTCAGAGGTCGAGCAAAGGACATTGGCTCTGAGAATGACTTTGCTGATGATG-3'
Protein context (NP_001035232.1, residues 567-587): FSPRRNSRAS[Leu577Ile]FSFRGRAKDI